The following is an entry in ClinVar:

NM_181552.4(CUX1):c.1653G>A (p.Met551Ile)

Gene: CUX1 (cut like homeobox 1; plus strand). Cytogenetic location: 7q22.1.
Variant type: single nucleotide variant.
Coding change: c.1653G>A on transcript NM_181552.4 (MANE Select); coding-DNA position 1653, G replaced by A.
Protein change: p.Met551Ile; replaces methionine 551 with isoleucine.
Molecular consequence: missense variant. On other transcripts: intron variant (5).
Genome position (GRCh38, 1-based): chr7:102,197,064, G>A. VCF-style: chr7-102197064-G-A. GRCh37 (hg19) VCF-style: chr7-101840344-G-A.
Other names: c.1686G>A, p.Met562Ile (NM_001202543.2); c.1255+1461G>A (NM_001913.5); c.1249+1461G>A (NM_181500.4); c.1117+1461G>A (NM_001202545.3); c.1207+1461G>A (NM_001202544.3); c.1138+1461G>A (NM_001202546.3); short protein forms M551I, M562I.
Identifiers: ClinVar variation 2368290 (VCV002368290.4), dbSNP rs148059700, ClinGen allele CA4410881.

ClinVar aggregate classification (germline): Likely benign. Review status: criteria provided, single submitter (1 of 4 stars). 2 submissions from 2 submitters: Likely benign (1). 1 of the submissions does not count toward it. Last evaluated 2021-08-10.

Conditions:
Inborn genetic diseases. Identifiers: MedGen C0950123, MeSH D030342.
CUX1-related disorder. Also called: CUX1-related condition.

Allele frequency attached by ClinVar (database versions not stated): ExAC 0.00006; 1000 Genomes Project 0.00020; gnomAD 0.00020; ESP Exome Variant Server 0.00023; 1000 Genomes Project 30x 0.00031.
gnomAD v4.1: 64 of 1,614,220 alleles (0.004%); highest among the groups gnomAD compares: African/African-American, 0.076%; no homozygotes.

Submissions (2):

Ambry Genetics
Classification: Likely benign for Inborn genetic diseases. Last evaluated: 2021-08-10. Review status: criteria provided, single submitter. Criteria: Ambry Variant Classification Scheme 2023. Collection method: clinical testing. Allele origin: germline.

PreventionGenetics, part of Exact Sciences
Classification: Likely benign for CUX1-related condition. Last evaluated: 2022-07-08. Review status: no assertion criteria provided. Collection method: clinical testing. Allele origin: germline. Not counted in ClinVar's aggregate classification.
Comment: This variant is classified as likely benign based on ACMG/AMP sequence variant interpretation guidelines (Richards et al. 2015 PMID: 25741868, with internal and published modifications).